The following is an entry in ClinVar:

NM_007129.5(ZIC2):c.960_961delinsCA (p.Val321Ile)

Gene: ZIC2 (Zic family zinc finger 2; plus strand). Cytogenetic location: 13q32.3.
Variant type: Indel.
Coding change: c.960_961delinsCA on transcript NM_007129.5 (MANE Select); coding-DNA positions 960 to 961, GG replaced by CA.
Protein change: p.Val321Ile; replaces valine 321 with isoleucine.
Molecular consequence: missense variant.
Genome position (GRCh38, 1-based): chr13:99,983,024-99,983,025, GG replaced by CA. VCF-style: chr13-99983024-GG-CA. GRCh37 (hg19) VCF-style: chr13-100635278-GG-CA.
Other names: short protein forms V321I.
Identifiers: ClinVar variation 1349813 (VCV001349813.8), dbSNP rs2152162752, ClinGen allele CA2573149783.

ClinVar aggregate classification (germline): Uncertain significance (1 of 4 stars; one submission).

Conditions:
Holoprosencephaly 5 (HPE5). Identifiers: Orphanet 2162, MedGen C1864827, MONDO:0012322, OMIM 609637.

Submission:

Labcorp Genetics (formerly Invitae), Labcorp
Classification: Uncertain significance for Holoprosencephaly 5. Last evaluated: 2024-12-02. Review status: criteria provided, single submitter. Criteria: Invitae Variant Classification Sherloc (09022015). Collection method: clinical testing. Allele origin: germline.
Comment: This sequence change replaces valine, which is neutral and non-polar, with isoleucine, which is neutral and non-polar, at codon 321 of the ZIC2 protein (p.Val321Ile). Information on the frequency of this variant in the gnomAD database is not available, as this variant may be reported differently in the database. This variant has not been reported in the literature in individuals affected with ZIC2-related conditions. ClinVar contains an entry for this variant (Variation ID: 1349813). Experimental studies and prediction algorithms are not available or were not evaluated, and the functional significance of this variant is currently unknown. In summary, the available evidence is currently insufficient to determine the role of this variant in disease. Therefore, it has been classified as a Variant of Uncertain Significance.